The following is an entry in ClinVar:

NM_000038.6(APC):c.3527C>G (p.Pro1176Arg)

Gene: APC (APC regulator of Wnt signaling pathway; plus strand). Cytogenetic location: 5q22.2.
Variant type: single nucleotide variant.
Coding change: c.3527C>G on transcript NM_000038.6 (MANE Select); coding-DNA position 3527, C replaced by G.
Protein change: p.Pro1176Arg; replaces proline 1176 with arginine.
Molecular consequence: missense variant.
Genome position (GRCh38, 1-based): chr5:112,839,121, C>G. VCF-style: chr5-112839121-C-G. GRCh37 (hg19) VCF-style: chr5-112174818-C-G.
Other names: c.3527C>G, p.Pro1176Arg (NM_001127510.3, NM_001354895.2); c.3473C>G, p.Pro1158Arg (NM_001127511.3); c.3581C>G, p.Pro1194Arg (NM_001354896.2); c.3557C>G, p.Pro1186Arg (NM_001354897.2); c.3452C>G, p.Pro1151Arg (NM_001354898.2); c.3443C>G, p.Pro1148Arg (NM_001354899.2); c.3404C>G, p.Pro1135Arg (NM_001354900.2); c.3350C>G, p.Pro1117Arg (NM_001354901.2); and 5 more; short protein forms P1016R, P1117R, P1135R, P1151R, P893R, P1050R, P1075R, P1085R.
Identifiers: ClinVar variation 938835 (VCV000938835.14), dbSNP rs1765447551, ClinGen allele CA16029083.
Genomic context (GRCh38, chr5:112,839,121, plus strand): 5'-AAGAGAGACCAACAAATTATAGCATAAAATATAATGAAGAGAAACGTCATGTGGATCAGC[C>G]TATTGATTATAGTTTAAAATATGCCACAGATATTCCTTCATCACAGAAACAGTCATTTTC-3'
Protein context (NP_000029.2, residues 1166-1186): YNEEKRHVDQ[Pro1176Arg]IDYSLKYATD

ClinVar aggregate classification (germline): Uncertain significance. Review status: criteria provided, multiple submitters, no conflicts (2 of 4 stars). 2 submissions from 2 submitters: Uncertain significance (2). Last evaluated 2025-10-06.

Conditions:
Hereditary cancer-predisposing syndrome. Also called: Hereditary neoplastic syndrome; Neoplastic Syndromes, Hereditary; Tumor predisposition; Hereditary Cancer Syndrome. Identifiers: Orphanet 140162, MedGen C0027672, MeSH D009386, MONDO:0015356.
Familial adenomatous polyposis 1 (FAP1). Also called: FAMILIAL ADENOMATOUS POLYPOSIS 1, ATTENUATED; POLYPOSIS, ADENOMATOUS INTESTINAL. Identifiers: MedGen C2713442, MONDO:0021056, OMIM 175100. Disease mechanism: loss of function.

Allele frequency attached by ClinVar (database versions not stated): gnomAD exomes below 0.00001; TOPMed below 0.00001.
gnomAD v4.1: 1 of 1,614,058 alleles (0.000062%); highest among the groups gnomAD compares: Admixed American, 0.0017%; no homozygotes.

Submissions (2):

Ambry Genetics
Classification: Uncertain significance for Hereditary cancer-predisposing syndrome. Last evaluated: 2025-10-06. Review status: criteria provided, single submitter. Criteria: Ambry Variant Classification Scheme 2023. Collection method: clinical testing. Allele origin: germline.
Comment: The p.P1176R variant (also known as c.3527C>G), located in coding exon 15 of the APC gene, results from a C to G substitution at nucleotide position 3527. The proline at codon 1176 is replaced by arginine, an amino acid with dissimilar properties. This amino acid position is conserved. In addition, in silico predictors for this gene do not accurately predict pathogenicity. Missense variants in APC are not a common cause of disease (Spier I et al. Genet Med. 2024 Feb;26(2):100992). Based on the available evidence, the clinical significance of this variant remains unclear.

Labcorp Genetics (formerly Invitae), Labcorp
Classification: Uncertain significance for Familial adenomatous polyposis 1. Last evaluated: 2019-06-16. Review status: criteria provided, single submitter. Criteria: Invitae Variant Classification Sherloc (09022015). Collection method: clinical testing. Allele origin: germline.
Comment: In summary, the available evidence is currently insufficient to determine the role of this variant in disease. Therefore, it has been classified as a Variant of Uncertain Significance. Algorithms developed to predict the effect of missense changes on protein structure and function (SIFT, PolyPhen-2, Align-GVGD) all suggest that this variant is likely to be disruptive, but these predictions have not been confirmed by published functional studies and their clinical significance is uncertain. This variant has not been reported in the literature in individuals with APC-related conditions. This variant is not present in population databases (ExAC no frequency). This sequence change replaces proline with arginine at codon 1176 of the APC protein (p.Pro1176Arg). The proline residue is highly conserved and there is a moderate physicochemical difference between proline and arginine.